The following is an entry in ClinVar:

NM_000465.4(BARD1):c.1678-2A>T

Gene: BARD1 (BRCA1 associated RING domain 1; minus strand). Cytogenetic location: 2q35.
Variant type: single nucleotide variant.
Coding change: c.1678-2A>T on transcript NM_000465.4 (MANE Select); the canonical splice acceptor site of the intron before coding-DNA position 1678, A replaced by T.
Molecular consequence: splice acceptor variant. On other transcripts: intron variant (1).
Genome position (GRCh38, 1-based): chr2:214,745,856, T>A on the plus strand (A>T on the coding strand, the complement: BARD1 is on the minus strand). VCF-style: chr2-214745856-T-A. GRCh37 (hg19) VCF-style: chr2-215610580-T-A.
Other names: c.268-2A>T (NM_001282548.2); c.1621-2A>T (NM_001282543.2); c.325-2A>T (NM_001282545.2); c.365-15348A>T (NM_001282549.2).
Identifiers: ClinVar variation 2583535 (VCV002583535.3), dbSNP rs1693089850, ClinGen allele CA350453358.
Genomic context (GRCh38, chr2:214,745,856, plus strand): 5'-GAAGACAGCCCACTGCCTATAAGTACAAGAGGTCCATCCCTACGCTGCCCAGTGTTCATC[T>A]GTTAATATAAAAGGAGATACCAGTGTTAAAAACATTAGACGACTAGACAAAGACATTAAA-3'

ClinVar aggregate classification (germline): Likely pathogenic. Review status: criteria provided, multiple submitters, no conflicts (2 of 4 stars). 2 submissions from 2 submitters: Likely pathogenic (2). Last evaluated 2023-05-23.

Conditions:
Familial cancer of breast. Also called: Hereditary breast cancer; BREAST CANCER, FAMILIAL; hereditary breast carcinoma. Identifiers: Orphanet 227535, MedGen C0346153, MONDO:0016419, OMIM 114480. Disease mechanism: loss of function.

Submissions (2):

Myriad Genetics, Inc.
Classification: Likely pathogenic for Familial cancer of breast. Last evaluated: 2023-05-23. Review status: criteria provided, single submitter. Criteria: Myriad Autosomal Dominant, Autosomal Recessive and X-Linked Classification Criteria (2023). Collection method: clinical testing. Allele origin: unknown.
Comment: This variant is considered likely pathogenic. This variant occurs within a consensus splice junction and is predicted to result in abnormal mRNA splicing of either an out-of-frame exon or an in-frame exon necessary for protein stability and/or normal function.

Baylor Genetics
Classification: Likely pathogenic for Familial cancer of breast. Last evaluated: 2022-10-11. Review status: criteria provided, single submitter. Criteria: ACMG Guidelines, 2015. Collection method: clinical testing. Allele origin: unknown.